The following is an entry in ClinVar:

ClinVar aggregate classification (germline): Likely pathogenic (1 of 4 stars; one submission).

Conditions:
Congenital hyperammonemia, type I. Also called: Carbamoyl phosphate synthetase 1 deficiency; Hyperammonemia due to carbamoyl phosphate synthetase 1 deficiency; CPS 1 deficiency; Carbamyl phosphate synthetase (CPS) deficiency; CPS I DEFICIENCY; Carbamoyl-phosphate synthase I deficiency. Identifiers: Orphanet 147, MedGen C4082171, MONDO:0009376, OMIM 237300.

Submission:

Myriad Genetics, Inc.
Classification: Likely pathogenic for Congenital hyperammonemia, type I. Last evaluated: 2022-03-06. Review status: criteria provided, single submitter. Criteria: Myriad Women's Health Autosomal Recessive and X-Linked Classification Criteria (2021). Collection method: clinical testing. Allele origin: unknown.
Comment: NM_001875.4(CPS1):c.2605_2606insGAAG(K869Rfs*7) is expected to be pathogenic in the context of carbamoylphosphate synthetase I deficiency. This variant is predicted to lead to an abnormal or absent protein product due to the creation of a premature termination codon in CPS1, a gene where loss-of-function variants are known to be pathogenic. Please note: this variant was assessed in the context of healthy population screening.

NM_001875.5(CPS1):c.2605_2606insGAAG (p.Lys869fs)

Gene: CPS1 (carbamoyl-phosphate synthase 1; plus strand). Cytogenetic location: 2q34.
Variant type: Insertion.
Coding change: c.2605_2606insGAAG on transcript NM_001875.5 (MANE Select); coding-DNA positions 2605 to 2606, GAAG inserted.
Protein change: p.Lys869fs; shifts the reading frame from lysine 869.
Molecular consequence: frameshift variant. On other transcripts: non-coding transcript variant (2).
Genome position: GRCh38 VCF-style: chr2-210616459-A-AGAAG. GRCh37 (hg19) VCF-style: chr2-211481183-A-AGAAG.
Other names: c.2605_2606insGAAG, p.Lys869fs (NM_001122633.3, NM_001369257.1); c.2638_2639insGAAG, p.Lys880fs (NM_001369256.1); short protein forms K869fs, K880fs.
Identifiers: ClinVar variation 1725056 (VCV001725056.2), dbSNP rs2469199404, ClinGen allele CA2580065559.